The following is an entry in ClinVar:

ClinVar aggregate classification (germline): Pathogenic. Review status: criteria provided, multiple submitters, no conflicts (2 of 4 stars). 5 submissions from 5 submitters: Pathogenic (4). 1 of the submissions does not count toward it. Last evaluated 2026-04-30.

Conditions:
CUL7-related disorder. Also called: CUL7-related condition.
3M syndrome 1. Also called: 3-M Syndrome, CUL7-Related. Identifiers: Orphanet 2616, MedGen C2678312, MONDO:0010117, OMIM 273750.

Submissions (5):

PreventionGenetics, part of Exact Sciences
Classification: Pathogenic for CUL7-related condition. Last evaluated: 2026-04-30. Review status: criteria provided, single submitter. Criteria: ACMG Guidelines, 2015. Collection method: clinical testing. Allele origin: germline.
Comment: The CUL7 c.4451_4452delTG variant is predicted to result in a frameshift and premature protein termination (p.Val1484Glyfs*69). This variant, alternatively referred to as c.4450_4451delTG or 4449_4450delTG, has been reported in the homozygous state in individuals with 3-M syndrome (Khachnaoui-Zaafrane et al. 2022. PubMed ID: 35150935; Huber et al. 2009. PubMed ID: 19225462; Hanson et al. 2012. PubMed ID: 23018678). This variant has not been reported in a large population database (gnomAD), indicating this variant is rare. Frameshift variants in CUL7 are expected to be pathogenic. This variant is interpreted as pathogenic.

3billion
Classification: Pathogenic for 3M syndrome 1. Last evaluated: 2025-01-20. Review status: criteria provided, single submitter. Criteria: ACMG Guidelines, 2015. Collection method: clinical testing. Allele origin: germline. Affected: yes.
Comment: The variant is observed at an extremely low frequency in the gnomAD v4.1.0 dataset (total allele frequency: <0.001%). Predicted Consequence/Location: Frameshift: predicted to result in a loss or disruption of normal protein function through nonsense-mediated decay (NMD) or protein truncation. Multiple pathogenic variants are reported downstream of the variant. The variant has been reported at least twice as pathogenic with clinical assertions and evidence for the classification (ClinVar ID: VCV000001615 /PMID: 16142236). Therefore, this variant is classified as Pathogenic according to the recommendation of ACMG/AMP guideline.

Breakthrough Genomics
Classification: Pathogenic for 3M syndrome 1. Last evaluated: 2020-10-17. Review status: criteria provided, single submitter. Criteria: ACMG Guidelines, 2015. Collection method: clinical testing. Allele origin: germline. Affected: yes.
Comment: This variant (reported as c.4450_4451delTG or 4449_4450delTG, in the literature) was previously reported in patients diagnosed with 3M syndrome in homozygous state in five consanguineous families, four from Tunisia and one from Algeria [PMID: 16142236, 19225462].

Breda Genetics srl
Classification: Pathogenic for 3M syndrome 1. Last evaluated: 2019-11-27. Review status: criteria provided, single submitter. Criteria: ACMG Guidelines, 2015. Collection method: clinical testing. Allele origin: germline. Inheritance: Autosomal recessive inheritance. Affected: yes. Observed: 1 variant allele, 1 homozygote.
Comment: The variant is reported as pathogenic for 3-M syndrome in ClinVar (Variation ID: 1615). This variant creates a shift in the reading frame, which is predicted to reasult in a premature stop codon 69 amino acids downstream. There is no information on frequency in gnomAD, 1000 Genomes or NHLI Exome Sequencing Project (ESP). The same mutation has already been described in homozygosity in five consanguineous families, four from Tunisia and one from Algeria by Huber et al., 2005, and in two unrelated patients by Huber et al., 2009 (OMIM * 609577).

OMIM
Classification: Pathogenic for 3M SYNDROME. Last evaluated: 2009-03-01. Review status: no assertion criteria provided. Collection method: literature only. Allele origin: germline. Not counted in ClinVar's aggregate classification.

Literature cited by the submitters: PubMed 16142236 (cited by 3billion and OMIM); PubMed 19225462 (cited by OMIM).

NM_014780.5(CUL7):c.4451_4452del (p.Val1484fs)

Gene: CUL7 (cullin 7; minus strand). Cytogenetic location: 6p21.1.
Variant type: Microsatellite.
Coding change: c.4451_4452del on transcript NM_014780.5 (MANE Select); coding-DNA positions 4451 to 4452, 2 bases deleted (TG; older notation c.4451_4452delTG).
Protein change: p.Val1484fs; shifts the reading frame from valine 1484.
Molecular consequence: frameshift variant.
Genome position (GRCh38, 1-based): chr6:43,038,681-43,038,682, CA deleted on the plus strand (TG on the coding strand, the reverse complement: CUL7 is on the minus strand); deleting any 2 consecutive bases within chr6:43,038,681-43,038,684 gives the same sequence; the c. name uses the placement nearest the transcript's 3' end. VCF-style (leftmost placement, unchanged base first): chr6-43038680-CCA-C. GRCh37 (hg19) VCF-style: chr6-43006418-CCA-C.
Other names: p.Val1484GlyfsTer69; c.4451_4452del (NM_014780.4); c.4547_4548del, p.Val1516fs (NM_001168370.2, NM_001374872.1); c.4451_4452del, p.Val1484fs (NM_001374873.1); c.4448_4449del, p.Val1483fs (NM_001374874.1); short protein forms V1483fs, V1484fs, V1516fs.
Identifiers: ClinVar variation 1615 (VCV000001615.9), dbSNP rs730880261, ClinGen allele CA251900.